The following is an entry in ClinVar:

NM_001164508.2(NEB):c.13353C>T (p.Ala4451=)

Gene: NEB (nebulin; minus strand). Cytogenetic location: 2q23.3.
Variant type: single nucleotide variant.
Coding change: c.13353C>T on transcript NM_001164508.2 (MANE Select); coding-DNA position 13353, C replaced by T.
Protein change: p.Ala4451=; no amino-acid change (alanine 4451 retained).
Molecular consequence: synonymous variant. On other transcripts: intron variant (1).
Genome position (GRCh38, 1-based): chr2:151,602,602, G>A on the plus strand (C>T on the coding strand, the complement: NEB is on the minus strand). VCF-style: chr2-151602602-G-A. GRCh37 (hg19) VCF-style: chr2-152459116-G-A.
Other names: c.13353C>T, p.Ala4451= (NM_001164507.2, NM_001271208.2); c.11601+7207C>T (NM_004543.5).
Identifiers: ClinVar variation 227727 (VCV000227727.13), dbSNP rs774726264, ClinGen allele CA1908496.

ClinVar aggregate classification (germline): Benign/Likely benign. Review status: criteria provided, multiple submitters, no conflicts (2 of 4 stars). 9 submissions from 9 submitters: Benign (2); Likely benign (3). 4 of the submissions do not count toward it. Last evaluated 2026-02-04.

Conditions:
Nemaline myopathy 2 (NEM2). Also called: Nemaline myopathy 2, autosomal recessive. Identifiers: MedGen C1850569, MONDO:0009725, OMIM 256030.

Allele frequency attached by ClinVar (database versions not stated): gnomAD exomes 0.33333.

Submissions (9):

Labcorp Genetics (formerly Invitae), Labcorp
Classification: Benign for Nemaline myopathy 2. Last evaluated: 2026-02-04. Review status: criteria provided, single submitter. Criteria: Invitae Variant Classification Sherloc (09022015). Collection method: clinical testing. Allele origin: germline.

GeneDx
Classification: Likely benign. Last evaluated: 2021-04-02. Review status: criteria provided, single submitter. Criteria: GeneDx Variant Classification Process June 2021. Collection method: clinical testing. Allele origin: germline. Affected: yes.

Laboratory for Molecular Medicine, Mass General Brigham Personalized Medicine
Classification: Likely benign. Last evaluated: 2014-12-19. Review status: criteria provided, single submitter. Criteria: LMM Criteria. Collection method: clinical testing. Allele origin: germline. Observed: 13 variant alleles.
Comment: NEB exons 82-105 are organized in three repetitive blocks of 8 exons each and be cause these blocks are nearly identical in sequence, homologous exons (e.g., exo ns 82, 90, and 98) are co-amplified and sequenced (each amplicon consists of 6 a lleles). This variant represents a nonhomologous position within the three repet itive blocks (c.13353C, c.14811T, and c.16269T). The variable alleles at this po sition are not expected to have clinical significance because these alleles do n ot alter an amino acid residue and are not located within the splice consensus s equence.

Breakthrough Genomics
Classification: Likely benign. Review status: criteria provided, single submitter. Criteria: ACMG Guidelines, 2015. Collection method: not provided. Allele origin: germline. Inheritance: Autosomal recessive inheritance. Affected: yes.

PreventionGenetics, part of Exact Sciences
Classification: Benign. Review status: criteria provided, single submitter. Criteria: ACMG Guidelines, 2015. Collection method: clinical testing. Allele origin: germline.

Natera, Inc.
Classification: Likely benign for Nemaline myopathy type 2. Last evaluated: 2020-09-16. Review status: no assertion criteria provided. Collection method: clinical testing. Allele origin: germline. Not counted in ClinVar's aggregate classification.

Clinical Genetics DNA and cytogenetics Diagnostics Lab, Erasmus MC, Erasmus Medical Center
Classification: Likely benign. Review status: no assertion criteria provided. Collection method: clinical testing. Allele origin: germline. Affected: yes. Study: VKGL Data-share Consensus. Not counted in ClinVar's aggregate classification.

Genome Diagnostics Laboratory, University Medical Center Utrecht
Classification: Likely benign. Review status: no assertion criteria provided. Collection method: clinical testing. Allele origin: germline. Affected: yes. Study: VKGL Data-share Consensus. Not counted in ClinVar's aggregate classification.

Laboratory of Diagnostic Genome Analysis, Leiden University Medical Center (LUMC)
Classification: Likely benign. Review status: no assertion criteria provided. Collection method: clinical testing. Allele origin: germline. Affected: yes. Study: VKGL Data-share Consensus. Not counted in ClinVar's aggregate classification.